The following is an entry in ClinVar:

ClinVar aggregate classification (germline): Likely benign. Review status: criteria provided, single submitter (1 of 4 stars). 2 submissions from 2 submitters: Likely benign (1). 1 of the submissions does not count toward it. Last evaluated 2025-04-01.

Conditions:
TRPA1-related disorder. Also called: TRPA1-related condition.

Allele frequency attached by ClinVar (database versions not stated): gnomAD exomes 0.00071; ExAC 0.00144; gnomAD 0.00360; TOPMed 0.00418; ESP Exome Variant Server 0.00463; 1000 Genomes Project 0.00659; 1000 Genomes Project 30x 0.00671.
gnomAD v4.1: 1,545 of 1,551,724 alleles (0.1%); highest among the groups gnomAD compares: African/African-American, 1.2%; 10 homozygotes.

Submissions (2):

CeGaT Center for Human Genetics Tuebingen
Classification: Likely benign. Last evaluated: 2025-04-01. Review status: criteria provided, single submitter. Criteria: CeGaT Center For Human Genetics Tuebingen Variant Classification Criteria Version 2. Collection method: clinical testing. Allele origin: germline. Affected: yes. Observed: 4 variant alleles.
Comment: MSC-AS1: BS1; TRPA1: BS1

PreventionGenetics, part of Exact Sciences
Classification: Benign for TRPA1-related condition. Last evaluated: 2019-07-30. Review status: no assertion criteria provided. Collection method: clinical testing. Allele origin: germline. Not counted in ClinVar's aggregate classification.
Comment: This variant is classified as benign based on ACMG/AMP sequence variant interpretation guidelines (Richards et al. 2015 PMID: 25741868, with internal and published modifications).

NM_007332.3(TRPA1):c.3052-6C>T

Genes: MSC-AS1 (MSC antisense RNA 1; plus strand), TRPA1 (transient receptor potential cation channel subfamily A member 1; minus strand). Cytogenetic location: 8q21.11.
Variant type: single nucleotide variant.
Coding change: c.3052-6C>T on transcript NM_007332.3 (MANE Select); 6 bases into the intron before coding-DNA position 3052, C replaced by T.
Molecular consequence: intron variant.
Genome position (GRCh38, 1-based): chr8:72,023,917, G>A on the plus strand (C>T on the coding strand, the complement: TRPA1 is on the minus strand). VCF-style: chr8-72023917-G-A. GRCh37 (hg19) VCF-style: chr8-72936152-G-A.
Other names: c.3052-6C>T (NM_007332.2).
Identifiers: ClinVar variation 3025034 (VCV003025034.23), dbSNP rs180680340, ClinGen allele CA4780325.